The following is an entry in ClinVar:

ClinVar aggregate classification (germline): Benign/Likely benign. Review status: criteria provided, multiple submitters, no conflicts (2 of 4 stars). 3 submissions from 3 submitters: Benign (1); Likely benign (2). Last evaluated 2026-06-24.

Conditions:
Hereditary cancer-predisposing syndrome. Also called: Neoplastic Syndromes, Hereditary; Tumor predisposition; Hereditary neoplastic syndrome; Hereditary Cancer Syndrome. Identifiers: Orphanet 140162, MedGen C0027672, MeSH D009386, MONDO:0015356.
Retinoblastoma (RB1). Also called: RETINOBLASTOMA, SOMATIC. Identifiers: Orphanet 790, MedGen C0035335, MeSH D012175, MONDO:0008380, OMIM 180200, HP:0009919. Disease mechanism: loss of function. Inheritance: Both sporadic and heritable forms are tested..

Submissions (3):

Myriad Genetics, Inc.
Classification: Benign for Retinoblastoma. Last evaluated: 2026-06-24. Review status: criteria provided, single submitter. Criteria: Myriad Autosomal Dominant, Autosomal Recessive and X-Linked Classification Criteria (2023). Collection method: clinical testing. Allele origin: unknown.
Comment: This variant is considered benign. This variant is a silent/synonymous amino acid change and it is not expected to impact splicing.

Ambry Genetics
Classification: Likely benign for Hereditary cancer-predisposing syndrome. Last evaluated: 2025-11-02. Review status: criteria provided, single submitter. Criteria: Ambry Variant Classification Scheme 2023. Collection method: clinical testing. Allele origin: germline.

Labcorp Genetics (formerly Invitae), Labcorp
Classification: Likely benign for Retinoblastoma. Last evaluated: 2022-09-25. Review status: criteria provided, single submitter. Criteria: Invitae Variant Classification Sherloc (09022015). Collection method: clinical testing. Allele origin: germline.

NM_000321.3(RB1):c.630T>C (p.Asp210=)

Gene: RB1 (RB transcriptional corepressor 1; plus strand). Cytogenetic location: 13q14.2.
Variant type: single nucleotide variant.
Coding change: c.630T>C on transcript NM_000321.3 (MANE Select); coding-DNA position 630, T replaced by C.
Protein change: p.Asp210=; no amino-acid change (aspartic acid 210 retained).
Molecular consequence: synonymous variant.
Genome position (GRCh38, 1-based): chr13:48,360,039, T>C. VCF-style: chr13-48360039-T-C. GRCh37 (hg19) VCF-style: chr13-48934175-T-C.
Other names: c.630T>C (NM_000321.2).
Identifiers: ClinVar variation 1619818 (VCV001619818.10), dbSNP rs1952625286, ClinGen allele CA483557667.